The following is an entry in ClinVar:

NM_018249.6(CDK5RAP2):c.3148+17del

Gene: CDK5RAP2 (CDK5 regulatory subunit associated protein 2; minus strand). Cytogenetic location: 9q33.2.
Variant type: Deletion.
Coding change: c.3148+17del on transcript NM_018249.6 (MANE Select); 17 bases into the intron after coding-DNA position 3148, one base deleted (T; older notation c.3148+17delT).
Molecular consequence: intron variant.
Genome position (GRCh38, 1-based): chr9:120,443,603, A deleted on the plus strand (T on the coding strand, the reverse complement: CDK5RAP2 is on the minus strand). VCF-style (leftmost placement, unchanged base first): chr9-120443602-CA-C. GRCh37 (hg19) VCF-style: chr9-123205880-CA-C.
Other names: c.2458+17del (NM_001272039.2); c.3148+17del (NM_001011649.3).
Identifiers: ClinVar variation 1932809 (VCV001932809.5), dbSNP rs2539054701, ClinGen allele CA2580079486.

ClinVar aggregate classification (germline): Uncertain significance (1 of 4 stars; one submission).

Allele frequency attached by ClinVar (database versions not stated): gnomAD exomes below 0.00001.

Submission:

Labcorp Genetics (formerly Invitae), Labcorp
Classification: Uncertain significance. Last evaluated: 2022-07-16. Review status: criteria provided, single submitter. Criteria: Invitae Variant Classification Sherloc (09022015). Collection method: clinical testing. Allele origin: germline.
Comment: In summary, the available evidence is currently insufficient to determine the role of this variant in disease. Therefore, it has been classified as a Variant of Uncertain Significance. Algorithms developed to predict the effect of sequence changes on RNA splicing suggest that this variant may disrupt the consensus splice site. This variant has not been reported in the literature in individuals affected with CDK5RAP2-related conditions. This variant is not present in population databases (gnomAD no frequency). This sequence change falls in intron 23 of the CDK5RAP2 gene. It does not directly change the encoded amino acid sequence of the CDK5RAP2 protein.